The following is an entry in ClinVar:

ClinVar aggregate classification (germline): Uncertain significance (1 of 4 stars; one submission).

Submission:

Ambry Genetics
Classification: Uncertain significance. Last evaluated: 2025-12-07. Review status: criteria provided, single submitter. Criteria: Ambry Variant Classification Scheme 2023. Collection method: clinical testing. Allele origin: germline.
Comment: The p.A1940T variant (also known as c.5818G>A), located in coding exon 23 of the WNK2 gene, results from a G to A substitution at nucleotide position 5818. The alanine at codon 1940 is replaced by threonine, an amino acid with similar properties. This amino acid position is conserved. In addition, the in silico prediction for this alteration is inconclusive. Based on the available evidence, the clinical significance of this variant remains unclear.

NM_006648.4(WNK2):c.5818G>A (p.Ala1940Thr)

Gene: WNK2 (WNK lysine deficient protein kinase 2; plus strand). Cytogenetic location: 9q22.31.
Variant type: single nucleotide variant.
Coding change: c.5818G>A on transcript NM_006648.4 (MANE Select); coding-DNA position 5818, G replaced by A.
Protein change: p.Ala1940Thr; replaces alanine 1940 with threonine.
Molecular consequence: missense variant.
Genome position (GRCh38, 1-based): chr9:93,297,962, G>A. VCF-style: chr9-93297962-G-A. GRCh37 (hg19) VCF-style: chr9-96060244-G-A.
Other names: c.5929G>A, p.Ala1977Thr (NM_001282394.3); short protein forms A1940T, A1977T.
Identifiers: ClinVar variation 4605419 (VCV004605419.1).